The following is an entry in ClinVar:

ClinVar aggregate classification (germline): Pathogenic (1 of 4 stars; one submission).

Conditions:
Meckel-Gruber syndrome. Also called: DYSENCEPHALIA SPLANCHNOCYSTICA; GRUBER SYNDROME; Dysencephalia splachnocystica. Identifiers: Orphanet 564, MedGen C0265215, MONDO:0018921.
Joubert syndrome. Also called: CEREBELLOPARENCHYMAL DISORDER IV; JOUBERT-BOLTSHAUSER SYNDROME; Familial aplasia of the vermis. Identifiers: Orphanet 475, MedGen C5979921, MONDO:0018772.

Allele frequency attached by ClinVar (database versions not stated): gnomAD exomes below 0.00001.

Submission:

Labcorp Genetics (formerly Invitae), Labcorp
Classification: Pathogenic for Joubert syndrome; Meckel-Gruber syndrome. Last evaluated: 2021-09-23. Review status: criteria provided, single submitter. Criteria: Invitae Variant Classification Sherloc (09022015). Collection method: clinical testing. Allele origin: germline.
Comment: This sequence change creates a premature translational stop signal (p.Ile980Thrfs*23) in the RPGRIP1L gene. It is expected to result in an absent or disrupted protein product. Loss-of-function variants in RPGRIP1L are known to be pathogenic (PMID: 17558409). This variant is not present in population databases (ExAC no frequency). This variant has not been reported in the literature in individuals affected with RPGRIP1L-related conditions. ClinVar contains an entry for this variant (Variation ID: 530899). For these reasons, this variant has been classified as Pathogenic.

Literature cited by the submitters: PubMed 17558409.

NM_015272.5(RPGRIP1L):c.2939del (p.Ile980fs)

Gene: RPGRIP1L (RPGRIP1 like; minus strand). Cytogenetic location: 16q12.2.
Variant type: Deletion.
Coding change: c.2939del on transcript NM_015272.5 (MANE Select); coding-DNA position 2939, one base deleted (T; older notation c.2939delT).
Protein change: p.Ile980fs; shifts the reading frame from isoleucine 980.
Molecular consequence: frameshift variant.
Genome position (GRCh38, 1-based): chr16:53,641,052, A deleted on the plus strand (T on the coding strand, the reverse complement: RPGRIP1L is on the minus strand). VCF-style (leftmost placement, unchanged base first): chr16-53641051-GA-G. GRCh37 (hg19) VCF-style: chr16-53674963-GA-G.
Other names: c.2939del, p.Ile980fs (NM_001127897.4, NM_001308334.3, NM_001330538.2); short protein forms I980fs.
Identifiers: ClinVar variation 530899 (VCV000530899.7), dbSNP rs1182447072, ClinGen allele CA622655272.
Genomic context (GRCh38, chr16:53,641,051, plus strand): 5'-TTTGTTATGAAAAAATCAGTATTTTCAGTGTCTACTACTTACATCACTCTGATGTGGCAT[GA>G]TATCCACGAAAGATACCTTCTTATCTACAGGTGTTAAACGTTGTCTTGGTTTAGGTCTTG-3'